The following is an entry in ClinVar:

ClinVar aggregate classification (germline): Uncertain significance (1 of 4 stars; one submission).

Conditions:
Accelerated tumor formation, susceptibility to (ACTFS). Identifiers: MedGen C3280690, OMIM 614401, MONDO:0013733.

Allele frequency attached by ClinVar (database versions not stated): gnomAD exomes below 0.00001.
gnomAD v4.1: 2 of 1,614,086 alleles (0.00012%); highest among the groups gnomAD compares: Admixed American, 0.0033%; no homozygotes.

Submission:

Labcorp Genetics (formerly Invitae), Labcorp
Classification: Uncertain significance for Accelerated tumor formation, susceptibility to. Last evaluated: 2021-07-01. Review status: criteria provided, single submitter. Criteria: Invitae Variant Classification Sherloc (09022015). Collection method: clinical testing. Allele origin: germline.
Comment: In summary, the available evidence is currently insufficient to determine the role of this variant in disease. Therefore, it has been classified as a Variant of Uncertain Significance. Algorithms developed to predict the effect of missense changes on protein structure and function output the following: SIFT: "Tolerated"; PolyPhen-2: "Possibly Damaging"; Align-GVGD: "Class C0". The valine amino acid residue is found in multiple mammalian species, suggesting that this missense change does not adversely affect protein function. These predictions have not been confirmed by published functional studies and their clinical significance is uncertain. This variant has not been reported in the literature in individuals with MDM2-related conditions. This variant is not present in population databases (ExAC no frequency). This sequence change replaces isoleucine with valine at codon 195 of the MDM2 protein (p.Ile195Val). The isoleucine residue is moderately conserved and there is a small physicochemical difference between isoleucine and valine.

NM_002392.6(MDM2):c.583A>G (p.Ile195Val)

Gene: MDM2 (MDM2 proto-oncogene; plus strand). Cytogenetic location: 12q15.
Variant type: single nucleotide variant.
Coding change: c.583A>G on transcript NM_002392.6 (MANE Select); coding-DNA position 583, A replaced by G.
Protein change: p.Ile195Val; replaces isoleucine 195 with valine.
Molecular consequence: missense variant. On other transcripts: intron variant (2).
Genome position (GRCh38, 1-based): chr12:68,828,830, A>G. VCF-style: chr12-68828830-A-G. GRCh37 (hg19) VCF-style: chr12-69222610-A-G.
Other names: c.565A>G, p.Ile189Val (NM_001145337.3, NM_001367990.1); c.418A>G, p.Ile140Val (NM_001145339.2); c.157-6999A>G (NM_001278462.2, NM_001145340.3); short protein forms I140V, I189V, I195V.
Identifiers: ClinVar variation 1000905 (VCV001000905.8), dbSNP rs1241409542, ClinGen allele CA385706507.